The following is an entry in ClinVar:

ClinVar aggregate classification (germline): Pathogenic (1 of 4 stars; one submission).

Conditions:
RAPSN-related disorder. Also called: RAPSN-related condition; RAPSN-related disorders. Identifiers: MedGen CN239397.

Submission:

Myriad Genetics, Inc.
Classification: Pathogenic for RAPSN-related disorder. Last evaluated: 2024-05-14. Review status: criteria provided, single submitter. Criteria: Myriad Autosomal Dominant, Autosomal Recessive and X-Linked Classification Criteria (2023). Collection method: clinical testing. Allele origin: unknown.
Comment: NM_005055.4(RAPSN):c.456_457insAC(A153Tfs*51) is expected to be pathogenic in the context of RAPSN-related disorders. This variant is predicted to lead to an abnormal or absent protein product due to the creation of a premature termination codon in RAPSN, a gene where loss-of-function variants are known to be pathogenic. Please note: this variant was assessed in the context of healthy population screening.

NM_005055.5(RAPSN):c.456_457insAC (p.Ala153fs)

Gene: RAPSN (receptor associated protein of the synapse; minus strand). Cytogenetic location: 11p11.2.
Variant type: Insertion.
Coding change: c.456_457insAC on transcript NM_005055.5 (MANE Select); coding-DNA positions 456 to 457, AC inserted.
Protein change: p.Ala153fs; shifts the reading frame from alanine 153.
Molecular consequence: frameshift variant. On other transcripts: intron variant (1).
Genome position: GRCh38 VCF-style: chr11-47447886-C-CGT. GRCh37 (hg19) VCF-style: chr11-47469438-C-CGT.
Other names: c.456_457insAC, p.Ala153fs (NM_001440490.1, NM_001440491.1, NM_001440492.1 and 12 more transcripts); c.192+886_192+887insAC (NM_001440504.1); short protein forms A153fs.
Identifiers: ClinVar variation 5016396 (VCV005016396.1).